The following is an entry in ClinVar:

ClinVar aggregate classification (germline): Pathogenic. Review status: criteria provided, multiple submitters, no conflicts (2 of 4 stars). 5 submissions from 5 submitters: Pathogenic (5). Last evaluated 2025-10-29.

Conditions:
Polycystic kidney disease 4 (PKD4). Also called: POLYCYSTIC KIDNEY DISEASE 4 WITH OR WITHOUT POLYCYSTIC LIVER DISEASE; PKD3; POLYCYSTIC KIDNEY AND HEPATIC DISEASE 1; POLYCYSTIC KIDNEY DISEASE, INFANTILE, TYPE I; Autosomal Recessive Polycystic Kidney Disease – PKHD1. Identifiers: MedGen C4540575, MONDO:0033004, OMIM 263200.
Autosomal recessive polycystic kidney disease (ARPKD). Also called: AR polycystic kidney disease. Identifiers: Orphanet 731, Orphanet 8378, MedGen C0085548, MeSH D017044, MONDO:0009889.

Allele frequency attached by ClinVar (database versions not stated): gnomAD exomes 0.00001.

Submissions (5):

Labcorp Genetics (formerly Invitae), Labcorp
Classification: Pathogenic for Autosomal recessive polycystic kidney disease. Last evaluated: 2025-10-29. Review status: criteria provided, single submitter. Criteria: Invitae Variant Classification Sherloc (09022015). Collection method: clinical testing. Allele origin: germline.
Comment: This sequence change affects a donor splice site in intron 55 of the PKHD1 gene. It is expected to disrupt RNA splicing. Variants that disrupt the donor or acceptor splice site typically lead to a loss of protein function (PMID: 16199547), and loss-of-function variants in PKHD1 are known to be pathogenic (PMID: 19940839). This variant is present in population databases (no rsID available, gnomAD 0.002%). Disruption of this splice site has been observed in individual(s) with polycystic kidney disease (PMID: 14971004, 19940839). In at least one individual the data is consistent with being in trans (on the opposite chromosome) from a pathogenic variant. ClinVar contains an entry for this variant (Variation ID: 633352). Algorithms developed to predict the effect of sequence changes on RNA splicing suggest that this variant may disrupt the consensus splice site. For these reasons, this variant has been classified as Pathogenic.

Natera, Inc.
Classification: Pathogenic for Autosomal recessive polycystic kidney disease. Last evaluated: 2025-09-17. Review status: criteria provided, single submitter. Criteria: Natera Variant Classification Schema (03/2026). Collection method: clinical testing. Allele origin: germline.
Comment: The c.8642+1G>A variant in PKHD1 is a canonical splice donor site variant predicted to affect pre-mRNA splicing, which may result in an abnormal transcript and altered protein product. This variant is expected to result in nonsense mediated decay, truncation, or a dysfunctional protein product. This variant is rare in the general population with a frequency below the threshold expected for the associated phenotype(s). This variant has been observed in one or more individuals affected with the associated recessive disease, as either homozygous or compound heterozygous with a second variant (PMID: 19940839, 29801666). Given the available evidence, this variant is classified as Pathogenic.

Baylor Genetics
Classification: Pathogenic for Polycystic kidney disease 4. Last evaluated: 2023-03-21. Review status: criteria provided, single submitter. Criteria: ACMG Guidelines, 2015. Collection method: clinical testing. Allele origin: unknown.

Molecular Biology Laboratory, Fundació Puigvert
Classification: Pathogenic for Polycystic kidney disease 4. Last evaluated: 2020-02-01. Review status: criteria provided, single submitter. Criteria: ACMG Guidelines, 2015. Collection method: research. Allele origin: germline. Affected: yes. Study: KidneyPanel_2020.

Women's Health and Genetics/Laboratory Corporation of America, LabCorp
Classification: Pathogenic for Autosomal recessive polycystic kidney disease. Last evaluated: 2017-10-13. Review status: criteria provided, single submitter. Criteria: LabCorp Variant Classification Summary - May 2015. Collection method: clinical testing. Allele origin: germline.
Comment: Variant summary: The PKHD1 c.8642+1G>A variant involves the alteration of a conserved intronic nucleotide and 5/5 splice prediction tools predict a significant impact on normal splicing. However, these predictions have yet to be confirmed by functional studies. This variant was found in 2/243188 control chromosomes at a frequency of 0.0000082, which does not exceed the estimated maximal expected allele frequency of a pathogenic PKHD1 variant (0.0070711). Multiple publications have cited the variant in affected compound heterozygote patients (Gunay-Aygun_2010, Sgro_2004, Denamur_2010) . Multiple databases have cited the variant as "disease-causing/likely pathogenic." Taken together, this variant is classified as pathogenic.

Literature cited by the submitters: PubMed 16199547 (cited by Labcorp Genetics (formerly Invitae), Labcorp); PubMed 19940839 (cited by 3 submitters); PubMed 14971004 (cited by Labcorp Genetics (formerly Invitae), Labcorp and Women's Health and Genetics/Laboratory Corporation of America, LabCorp); PubMed 29801666 (cited by Natera, Inc.); PubMed 33532864 (cited by Molecular Biology Laboratory, Fundació Puigvert); PubMed 20413436 (cited by Women's Health and Genetics/Laboratory Corporation of America, LabCorp).

NM_138694.4(PKHD1):c.8642+1G>A

Gene: PKHD1 (PKHD1 ciliary IPT domain containing fibrocystin/polyductin; minus strand). Cytogenetic location: 6p12.3.
Variant type: single nucleotide variant.
Coding change: c.8642+1G>A on transcript NM_138694.4 (MANE Select); the canonical splice donor site of the intron after coding-DNA position 8642, G replaced by A.
Molecular consequence: splice donor variant.
Genome position (GRCh38, 1-based): chr6:51,772,701, C>T on the plus strand (G>A on the coding strand, the complement: PKHD1 is on the minus strand). VCF-style: chr6-51772701-C-T. GRCh37 (hg19) VCF-style: chr6-51637499-C-T.
Other names: c.8642+1G>A (NM_170724.3).
Identifiers: ClinVar variation 633352 (VCV000633352.15), dbSNP rs1485161784, ClinGen allele CA364434739.
Genomic context (GRCh38, chr6:51,772,701, plus strand): 5'-TCAAGCAGAAGCAACCTAAACAACAACCAAGAAAAAGCCCTAAGTTACTCTCATTCCTTA[C>T]CTCTCATTTCCTGAGGCAATATCAGCTCCAAGATGTGTCCAGGAGTTCTTAGGATAAGCA-3'